The following is an entry in ClinVar:

NM_004977.3(KCNC3):c.1718A>G (p.Asn573Ser)

Gene: KCNC3 (potassium voltage-gated channel subfamily C member 3; minus strand). Cytogenetic location: 19q13.33.
Variant type: single nucleotide variant.
Coding change: c.1718A>G on transcript NM_004977.3 (MANE Select); coding-DNA position 1718, A replaced by G.
Protein change: p.Asn573Ser; replaces asparagine 573 with serine.
Molecular consequence: missense variant.
Genome position (GRCh38, 1-based): chr19:50,323,235, T>C on the plus strand (A>G on the coding strand, the complement: KCNC3 is on the minus strand). VCF-style: chr19-50323235-T-C. GRCh37 (hg19) VCF-style: chr19-50826492-T-C.
Other names: c.1490A>G, p.Asn497Ser (NM_001372305.1); short protein forms N497S, N573S.
Identifiers: ClinVar variation 1723820 (VCV001723820.2), dbSNP rs2513798900, ClinGen allele CA406950233.

ClinVar aggregate classification (germline): Uncertain significance (1 of 4 stars; one submission).

Allele frequency attached by ClinVar (database versions not stated): gnomAD exomes below 0.00001.
gnomAD v4.1: 1 of 1,581,580 alleles (0.000063%); highest among the groups gnomAD compares: Non-Finnish European, 0.000085%; no homozygotes.

Submission:

GeneDx
Classification: Uncertain significance. Last evaluated: 2022-05-13. Review status: criteria provided, single submitter. Criteria: GeneDx Variant Classification Process June 2021. Collection method: clinical testing. Allele origin: germline. Affected: yes.
Comment: Not observed at significant frequency in large population cohorts (gnomAD); In silico analysis supports that this missense variant does not alter protein structure/function; Has not been previously published as pathogenic or benign to our knowledge